The following is an entry in ClinVar:

ClinVar aggregate classification (germline): Uncertain significance. Review status: criteria provided, multiple submitters, no conflicts (2 of 4 stars). 3 submissions from 3 submitters: Uncertain significance (2). 1 of the submissions does not count toward it. Last evaluated 2025-03-21.

Conditions:
SH2B1-related disorder. Also called: SH2B1-related condition.

Allele frequency attached by ClinVar (database versions not stated): TOPMed 0.00002; gnomAD exomes 0.00003; gnomAD 0.00005.
gnomAD v4.1: 47 of 1,516,730 alleles (0.0031%); highest among the groups gnomAD compares: Middle Eastern, 0.021%; no homozygotes.

Submissions (3):

Ambry Genetics
Classification: Uncertain significance. Last evaluated: 2025-03-21. Review status: criteria provided, single submitter. Criteria: Ambry Variant Classification Scheme 2023. Collection method: clinical testing. Allele origin: germline.

Labcorp Genetics (formerly Invitae), Labcorp
Classification: Uncertain significance. Last evaluated: 2023-10-27. Review status: criteria provided, single submitter. Criteria: Invitae Variant Classification Sherloc (09022015). Collection method: clinical testing. Allele origin: germline.
Comment: This sequence change replaces arginine, which is basic and polar, with tryptophan, which is neutral and slightly polar, at codon 27 of the SH2B1 protein (p.Arg27Trp). This variant is present in population databases (no rsID available, gnomAD 0.02%). This variant has not been reported in the literature in individuals affected with SH2B1-related conditions. An algorithm developed to predict the effect of missense changes on protein structure and function (PolyPhen-2) suggests that this variant is likely to be disruptive. In summary, the available evidence is currently insufficient to determine the role of this variant in disease. Therefore, it has been classified as a Variant of Uncertain Significance.

PreventionGenetics, part of Exact Sciences
Classification: Uncertain significance for SH2B1-related condition. Last evaluated: 2024-05-10. Review status: no assertion criteria provided. Collection method: clinical testing. Allele origin: germline. Not counted in ClinVar's aggregate classification.
Comment: The SH2B1 c.79C>T variant is predicted to result in the amino acid substitution p.Arg27Trp. To our knowledge, this variant has not been reported in the literature. This variant is reported in 0.014% of alleles in individuals of East Asian descent in gnomAD. At this time, the clinical significance of this variant is uncertain due to the absence of conclusive functional and genetic evidence.

NM_001387430.1(SH2B1):c.79C>T (p.Arg27Trp)

Gene: SH2B1 (SH2B adaptor protein 1; plus strand). Cytogenetic location: 16p11.2.
Variant type: single nucleotide variant.
Coding change: c.79C>T on transcript NM_001387430.1 (MANE Select); coding-DNA position 79, C replaced by T.
Protein change: p.Arg27Trp; replaces arginine 27 with tryptophan.
Molecular consequence: missense variant. On other transcripts: intron variant (1).
Genome position (GRCh38, 1-based): chr16:28,866,173, C>T. VCF-style: chr16-28866173-C-T. GRCh37 (hg19) VCF-style: chr16-28877494-C-T.
Other names: c.79C>T (NM_001145795.1); c.79C>T, p.Arg27Trp (NM_001145795.2, NM_001145796.2, NM_001145797.2 and 4 more transcripts); c.-26-1201C>T (NM_001308294.2); short protein forms R27W.
Identifiers: ClinVar variation 2706149 (VCV002706149.5), dbSNP rs933512684, ClinGen allele CA279250294.